The following is an entry in ClinVar:

NM_002769.5(PRSS1):c.446G>C (p.Ser149Thr)

Genes: PRSS1 (serine protease 1; plus strand), TRB (T cell receptor beta locus; plus strand). Cytogenetic location: 7q34.
Variant type: single nucleotide variant.
Coding change: c.446G>C on transcript NM_002769.5 (MANE Select); coding-DNA position 446, G replaced by C.
Protein change: p.Ser149Thr; replaces serine 149 with threonine.
Molecular consequence: missense variant. On other transcripts: non-coding transcript variant (5).
Genome position (GRCh38, 1-based): chr7:142,752,019, G>C. VCF-style: chr7-142752019-G-C. GRCh37 (hg19) VCF-style: chr7-142459870-G-C.
Other names: short protein forms S149T.
Identifiers: ClinVar variation 4862591 (VCV004862591.1).

ClinVar aggregate classification (germline): Uncertain significance (1 of 4 stars; one submission).

Conditions:
Hereditary pancreatitis (PCTT). Also called: Hereditary chronic pancreatitis; PRSS1-Related Hereditary Pancreatitis. Identifiers: Orphanet 676, MedGen C0238339, MONDO:0008185, OMIM 167800.

Submission:

Ambry Genetics
Classification: Uncertain significance for Hereditary pancreatitis. Last evaluated: 2026-04-05. Review status: criteria provided, single submitter. Criteria: Ambry Variant Classification Scheme 2023. Collection method: clinical testing. Allele origin: germline.
Comment: The p.S149T variant (also known as c.446G>C), located in coding exon 3 of the PRSS1 gene, results from a G to C substitution at nucleotide position 446. The serine at codon 149 is replaced by threonine, an amino acid with similar properties. This amino acid position is conserved. In addition, the in silico prediction for this alteration is inconclusive. Based on the available evidence, the clinical significance of this variant remains unclear.